The following is an entry in ClinVar:

ClinVar aggregate classification (germline): Benign. Review status: criteria provided, multiple submitters, no conflicts (2 of 4 stars). 2 submissions from 2 submitters: Benign (2). Last evaluated 2018-01-12.

Conditions:
Hypohidrotic ectodermal dysplasia (HED). Identifiers: Orphanet 238468, MedGen C5848103, MONDO:0016535, HP:0007607.

Allele frequency attached by ClinVar (database versions not stated): 1000 Genomes Project 0.53175; gnomAD 0.53280 and 0.52218; TOPMed 0.52452; gnomAD exomes 0.63850.
gnomAD v4.1: 81,116 of 151,646 alleles (53%); highest among the groups gnomAD compares: East Asian, 89%; 26,227 homozygotes.

Submissions (2):

Illumina Laboratory Services, Illumina
Classification: Benign for Hypohidrotic ectodermal dysplasia. Last evaluated: 2018-01-12. Review status: criteria provided, single submitter. Criteria: ICSL Variant Classification Criteria 13 December 2019. Collection method: clinical testing. Allele origin: germline.
Comment: This variant was observed in the ICSL laboratory as part of a predisposition screen in an ostensibly healthy population. It had not been previously curated by ICSL or reported in the Human Gene Mutation Database (HGMD: prior to June 1st, 2018), and was therefore a candidate for classification through an automated scoring system. Utilizing variant allele frequency, disease prevalence and penetrance estimates, and inheritance mode, an automated score was calculated to assess if this variant is too frequent to cause the disease. Based on the score and internal cut-off values, a variant classified as benign is not then subjected to further curation. The score for this variant resulted in a classification of benign for this disease.

Breakthrough Genomics
Classification: Benign. Review status: criteria provided, single submitter. Criteria: ACMG Guidelines, 2015. Collection method: not provided. Allele origin: germline. Inheritance: Autosomal recessive inheritance. Affected: yes.

NM_022336.4(EDAR):c.*2426C>T

Genes: EDAR (ectodysplasin A receptor; minus strand), RANBP2 (RAN binding protein 2; plus strand). Cytogenetic location: 2q13.
Variant type: single nucleotide variant.
Coding change: c.*2426C>T on transcript NM_022336.4 (MANE Select); 2426 bases downstream of the stop codon, C replaced by T.
Molecular consequence: 3 prime UTR variant.
Genome position (GRCh38, 1-based): chr2:108,894,481, G>A on the plus strand (C>T on the coding strand, the complement: EDAR is on the minus strand). VCF-style: chr2-108894481-G-A. GRCh37 (hg19) VCF-style: chr2-109510937-G-A.
Identifiers: ClinVar variation 330683 (VCV000330683.7), dbSNP rs1478517, ClinGen allele CA10611833.
Genomic context (GRCh38, chr2:108,894,481, plus strand): 5'-GACCCACCACCCCAAATACAAAGAGAGCTCACATTACGGTAGTCTATAAATCTTATTAAT[G>A]TGTTTATTGAGATTATAAAATATAATAAGTTATATATATACAGAATTAGACAAAAATAAT-3'